The following is an entry in ClinVar:

ClinVar aggregate classification (germline): Uncertain significance (1 of 4 stars; one submission).

Conditions:
KITLG-related disorder. Also called: KITLG-related condition.

Submission:

PreventionGenetics, part of Exact Sciences
Classification: Uncertain significance for KITLG-related condition. Last evaluated: 2026-07-02. Review status: criteria provided, single submitter. Criteria: ACMG Guidelines, 2015. Collection method: clinical testing. Allele origin: germline.
Comment: The KITLG c.514G>T variant is predicted to result in premature protein termination (p.Glu172*). To our knowledge, this variant has not been reported in the literature. This variant is absent in a large population database (gnomAD), indicating this variant is rare. Loss of function variants in KITLG, such as this nonsense variant, are not an established mechanism of disease at this time. Therefore, the clinical significance of this variant is uncertain due to the absence of conclusive functional and genetic evidence.

NM_000899.5(KITLG):c.514G>T (p.Glu172Ter)

Gene: KITLG (KIT ligand; minus strand). Cytogenetic location: 12q21.32.
Variant type: single nucleotide variant.
Coding change: c.514G>T on transcript NM_000899.5 (MANE Select); coding-DNA position 514, G replaced by T.
Protein change: p.Glu172Ter; replaces glutamic acid 172 with a stop codon.
Molecular consequence: nonsense.
Genome position (GRCh38, 1-based): chr12:88,516,340, C>A on the plus strand (G>T on the coding strand, the complement: KITLG is on the minus strand). VCF-style: chr12-88516340-C-A. GRCh37 (hg19) VCF-style: chr12-88910117-C-A.
Other names: c.514G>T, p.Glu172Ter (NM_003994.6); short protein forms E172*.
Identifiers: ClinVar variation 4981236 (VCV004981236.1).